The following is an entry in ClinVar:

NM_000161.3(GCH1):c.241T>C (p.Ser81Pro)

Gene: GCH1 (GTP cyclohydrolase 1; minus strand). Cytogenetic location: 14q22.2.
Variant type: single nucleotide variant.
Coding change: c.241T>C on transcript NM_000161.3 (MANE Select); coding-DNA position 241, T replaced by C.
Protein change: p.Ser81Pro; replaces serine 81 with proline.
Molecular consequence: missense variant.
Genome position (GRCh38, 1-based): chr14:54,902,423, A>G on the plus strand (T>C on the coding strand, the complement: GCH1 is on the minus strand). VCF-style: chr14-54902423-A-G. GRCh37 (hg19) VCF-style: chr14-55369141-A-G.
Other names: c.241T>C, p.Ser81Pro (NM_001024024.2, NM_001024070.2, NM_001024071.2); short protein forms S81P.
Identifiers: ClinVar variation 1463233 (VCV001463233.8), dbSNP rs2140127208, ClinGen allele CA389793826.

ClinVar aggregate classification (germline): Uncertain significance (1 of 4 stars; one submission).

Conditions:
GTP cyclohydrolase I deficiency. Identifiers: MedGen C0268467, MONDO:0100184.
Dystonia 5 (DRD). Also called: GTP Cyclohydrolase 1-Deficient Dopa-Responsive Dystonia; DYT-GCH1; Dystonia, DOPA-responsive, with or without hyperphenylalaninemia; DYSTONIA, PROGRESSIVE, WITH DIURNAL VARIATION; DYSTONIA-PARKINSONISM WITH DIURNAL FLUCTUATION. Identifiers: Orphanet 98808, MedGen C1851920, MONDO:0007495, OMIM 128230.

Submission:

Labcorp Genetics (formerly Invitae), Labcorp
Classification: Uncertain significance for GTP cyclohydrolase I deficiency; Dystonia 5. Last evaluated: 2021-07-25. Review status: criteria provided, single submitter. Criteria: Invitae Variant Classification Sherloc (09022015). Collection method: clinical testing. Allele origin: germline.
Comment: In summary, the available evidence is currently insufficient to determine the role of this variant in disease. Therefore, it has been classified as a Variant of Uncertain Significance. Algorithms developed to predict the effect of missense changes on protein structure and function (SIFT, PolyPhen-2, Align-GVGD) all suggest that this variant is likely to be tolerated, but these predictions have not been confirmed by published functional studies and their clinical significance is uncertain. This variant has been observed in individual(s) with dystonia (PMID: 20082337, 29290055, Invitae). This variant is not present in population databases (ExAC no frequency). This sequence change replaces serine with proline at codon 81 of the GCH1 protein (p.Ser81Pro). The serine residue is weakly conserved and there is a moderate physicochemical difference between serine and proline.

Literature cited by the submitters: PubMed 20082337; PubMed 29290055.